The following is an entry in ClinVar:

NM_000528.4(MAN2B1):c.511C>T (p.Gln171Ter)

Gene: MAN2B1 (mannosidase alpha class 2B member 1; minus strand). Cytogenetic location: 19p13.13.
Variant type: single nucleotide variant.
Coding change: c.511C>T on transcript NM_000528.4 (MANE Select); coding-DNA position 511, C replaced by T.
Protein change: p.Gln171Ter; replaces glutamine 171 with a stop codon.
Molecular consequence: nonsense.
Genome position (GRCh38, 1-based): chr19:12,664,911, G>A on the plus strand (C>T on the coding strand, the complement: MAN2B1 is on the minus strand). VCF-style: chr19-12664911-G-A. GRCh37 (hg19) VCF-style: chr19-12775725-G-A.
Other names: c.511C>T, p.Gln171Ter (NM_001173498.2); short protein forms Q171*.
Identifiers: ClinVar variation 2058331 (VCV002058331.4), dbSNP rs1445498020, ClinGen allele CA404255039.

ClinVar aggregate classification (germline): Pathogenic (1 of 4 stars; one submission).

Conditions:
Deficiency of alpha-mannosidase (MANSA). Also called: Mannosidosis, alpha-, types I and II; Alpha-Mannosidosis; LYSOSOMAL ALPHA-D-MANNOSIDASE DEFICIENCY. Identifiers: Orphanet 61, MedGen C0024748, MONDO:0009561, OMIM 248500.

Allele frequency attached by ClinVar (database versions not stated): gnomAD 0.00001; TOPMed 0.00001.
gnomAD v4.1: 2 of 1,614,068 alleles (0.00012%); highest among the groups gnomAD compares: Non-Finnish European, 0.00017%; no homozygotes.

Submission:

Labcorp Genetics (formerly Invitae), Labcorp
Classification: Pathogenic for Deficiency of alpha-mannosidase. Last evaluated: 2026-01-19. Review status: criteria provided, single submitter. Criteria: Invitae Variant Classification Sherloc (09022015). Collection method: clinical testing. Allele origin: germline.
Comment: This sequence change creates a premature translational stop signal (p.Gln171*) in the MAN2B1 gene. It is expected to result in an absent or disrupted protein product. Loss-of-function variants in MAN2B1 are known to be pathogenic (PMID: 9915946, 22161967). This variant is not present in population databases (gnomAD no frequency). This variant has not been reported in the literature in individuals affected with MAN2B1-related conditions. ClinVar contains an entry for this variant (Variation ID: 2058331). For these reasons, this variant has been classified as Pathogenic.

Literature cited by the submitters: PubMed 9915946; PubMed 22161967.